The following is an entry in ClinVar:

ClinVar aggregate classification (germline): Conflicting classifications of pathogenicity. Review status: criteria provided, conflicting classifications (1 of 4 stars). 2 submissions from 2 submitters: Pathogenic (1); Uncertain significance (1). Last evaluated 2026-04-11.

Submissions (2):

GeneDx
Classification: Uncertain significance. Last evaluated: 2026-04-11. Review status: criteria provided, single submitter. Criteria: GeneDx Variant Classification Process June 2021. Collection method: clinical testing. Allele origin: germline.
Comment: Not observed at significant frequency in large population cohorts (gnomAD); Nonsense variant predicted to result in protein truncation as the last 62 amino acid(s) are lost; Has not been previously published as pathogenic or benign to our knowledge

Ambry Genetics
Classification: Pathogenic. Last evaluated: 2026-02-23. Review status: criteria provided, single submitter. Criteria: Ambry Variant Classification Scheme 2023. Collection method: clinical testing. Allele origin: germline.
Comment: The c.2977C>T (p.R993*) alteration, located in coding exon 23 of the SMARCA1 gene, consists of a C to T substitution at nucleotide position 2977. This changes the amino acid from a arginine (R) to a stop codon at amino acid position 993. This alteration is expected to result in loss of function by premature protein truncation or nonsense-mediated mRNA decay. This variant was not reported in population-based cohorts in the Genome Aggregation Database (gnomAD). Based on the available evidence, this alteration is classified as pathogenic.

NM_001282874.2(SMARCA1):c.2977C>T (p.Arg993Ter)

Gene: SMARCA1 (SNF2 related chromatin remodeling ATPase 1; minus strand). Cytogenetic location: Xq25.
Variant type: single nucleotide variant.
Coding change: c.2977C>T on transcript NM_001282874.2 (MANE Select); coding-DNA position 2977, C replaced by T.
Protein change: p.Arg993Ter; replaces arginine 993 with a stop codon.
Molecular consequence: nonsense.
Genome position (GRCh38, 1-based): chrX:129,465,573, G>A on the plus strand (C>T on the coding strand, the complement: SMARCA1 is on the minus strand). VCF-style: chrX-129465573-G-A. GRCh37 (hg19) VCF-style: chrX-128599550-G-A.
Other names: c.2941C>T, p.Arg981Ter (NM_001282875.2, NM_001378262.1, NM_001378263.1 and 1 more transcripts); c.2977C>T, p.Arg993Ter (NM_001378261.1, NM_003069.5); short protein forms R981*, R993*.
Identifiers: ClinVar variation 4832218 (VCV004832218.2).